The following is an entry in ClinVar:

NM_015836.4(WARS2):c.51G>A (p.Arg17=)

Genes: WARS2 (tryptophanyl tRNA synthetase 2, mitochondrial; minus strand), WARS2-AS1 (WARS2 antisense RNA 1; plus strand), LOC129931299 (ATAC-STARR-seq lymphoblastoid active region 1590; plus strand). Cytogenetic location: 1p12.
Variant type: single nucleotide variant.
Coding change: c.51G>A on transcript NM_015836.4 (MANE Select); coding-DNA position 51, G replaced by A.
Protein change: p.Arg17=; no amino-acid change (arginine 17 retained).
Molecular consequence: synonymous variant. On other transcripts: non-coding transcript variant (4), 5 prime UTR variant (3).
Genome position (GRCh38, 1-based): chr1:119,140,594, C>T on the plus strand (G>A on the coding strand, the complement: WARS2 is on the minus strand). VCF-style: chr1-119140594-C-T. GRCh37 (hg19) VCF-style: chr1-119683217-C-T.
Other names: c.-104G>A (NM_001378226.1); c.-295G>A (NM_001378227.1); c.51G>A, p.Arg17= (NM_001378228.1, NM_001378229.1, NM_001378231.1 and 1 more transcripts); c.-423G>A (NM_001378230.1).
Identifiers: ClinVar variation 1601658 (VCV001601658.33), dbSNP rs141898658, ClinGen allele CA1035412.

ClinVar aggregate classification (germline): Benign/Likely benign. Review status: criteria provided, multiple submitters, no conflicts (2 of 4 stars). 3 submissions from 3 submitters: Benign (2); Likely benign (1). Last evaluated 2025-10-27.

Allele frequency attached by ClinVar (database versions not stated): gnomAD 0.00016 and 0.00017; TOPMed 0.00022; ESP Exome Variant Server 0.00038.
gnomAD v4.1: 266 of 1,613,780 alleles (0.016%); highest among the groups gnomAD compares: Middle Eastern, 0.049%; no homozygotes.

Submissions (3):

Labcorp Genetics (formerly Invitae), Labcorp
Classification: Benign. Last evaluated: 2025-10-27. Review status: criteria provided, single submitter. Criteria: Invitae Variant Classification Sherloc (09022015). Collection method: clinical testing. Allele origin: germline.

CeGaT Center for Human Genetics Tuebingen
Classification: Likely benign. Last evaluated: 2023-08-01. Review status: criteria provided, single submitter. Criteria: CeGaT Center For Human Genetics Tuebingen Variant Classification Criteria Version 2. Collection method: clinical testing. Allele origin: germline. Affected: yes. Observed: 1 variant allele.
Comment: WARS2: BP4

Breakthrough Genomics
Classification: Benign. Review status: criteria provided, single submitter. Criteria: ACMG Guidelines, 2015. Collection method: not provided. Allele origin: germline. Inheritance: Autosomal recessive inheritance. Affected: yes.